The following is an entry in ClinVar:

ClinVar aggregate classification (germline): Uncertain significance. Review status: criteria provided, multiple submitters, no conflicts (2 of 4 stars). 2 submissions from 2 submitters: Uncertain significance (2). Last evaluated 2025-05-19.

Conditions:
KARS1-related disorder. Also called: KARS1-related disorders.

Allele frequency attached by ClinVar (database versions not stated): gnomAD exomes below 0.00001; gnomAD 0.00001; TOPMed 0.00001.

Submissions (2):

PreventionGenetics, part of Exact Sciences
Classification: Uncertain significance for KARS1-related condition. Last evaluated: 2025-05-19. Review status: criteria provided, single submitter. Criteria: ACMG Guidelines, 2015. Collection method: clinical testing. Allele origin: germline.
Comment: The KARS1 c.823C>T variant is predicted to result in the amino acid substitution p.Arg275Cys. To our knowledge, this variant has not been reported in the literature. This variant is present in 0.0029% of alleles in individuals of Latino descent in gnomAD. At this time, the clinical significance of this variant is uncertain due to the absence of conclusive functional and genetic evidence.

Labcorp Genetics (formerly Invitae), Labcorp
Classification: Uncertain significance. Last evaluated: 2021-09-09. Review status: criteria provided, single submitter. Criteria: Invitae Variant Classification Sherloc (09022015). Collection method: clinical testing. Allele origin: germline.
Comment: This variant is not present in population databases (ExAC no frequency). This variant has not been reported in the literature in individuals affected with KARS-related conditions. Algorithms developed to predict the effect of missense changes on protein structure and function (SIFT, PolyPhen-2, Align-GVGD) all suggest that this variant is likely to be disruptive. In summary, the available evidence is currently insufficient to determine the role of this variant in disease. Therefore, it has been classified as a Variant of Uncertain Significance. This sequence change replaces arginine with cysteine at codon 275 of the KARS protein (p.Arg275Cys). The arginine residue is highly conserved and there is a large physicochemical difference between arginine and cysteine.

NM_005548.3(KARS1):c.739C>T (p.Arg247Cys)

Gene: KARS1 (lysyl-tRNA synthetase 1; minus strand). Cytogenetic location: 16q23.1.
Variant type: single nucleotide variant.
Coding change: c.739C>T on transcript NM_005548.3 (MANE Select); coding-DNA position 739, C replaced by T.
Protein change: p.Arg247Cys; replaces arginine 247 with cysteine.
Molecular consequence: missense variant.
Genome position (GRCh38, 1-based): chr16:75,635,736, G>A on the plus strand (C>T on the coding strand, the complement: KARS1 is on the minus strand). VCF-style: chr16-75635736-G-A. GRCh37 (hg19) VCF-style: chr16-75669634-G-A.
Other names: c.823C>T (NM_001130089.1); c.823C>T, p.Arg275Cys (NM_001130089.2); c.271C>T, p.Arg91Cys (NM_001378148.1); short protein forms R247C, R275C, R91C.
Identifiers: ClinVar variation 1682438 (VCV001682438.7), dbSNP rs1179834225, ClinGen allele CA396813387.